The following is an entry in ClinVar:

ClinVar aggregate classification (germline): Pathogenic/Likely pathogenic. Review status: criteria provided, multiple submitters, no conflicts (2 of 4 stars). 2 submissions from 2 submitters: Pathogenic (1); Likely pathogenic (1). Last evaluated 2026-01-15.

Conditions:
Ellis-van Creveld syndrome (EVC). Also called: MESOECTODERMAL DYSPLASIA; Chondroectodermal dysplasia. Identifiers: Orphanet 289, MedGen C0013903, MONDO:0009162, OMIM 225500.

gnomAD v4.1: 2 of 1,614,204 alleles (0.00012%); highest among the groups gnomAD compares: Non-Finnish European, 0.00017%; no homozygotes.

Submissions (2):

Myriad Genetics, Inc.
Classification: Pathogenic for Ellis-van Creveld syndrome. Last evaluated: 2026-01-15. Review status: criteria provided, single submitter. Criteria: Myriad Autosomal Dominant, Autosomal Recessive and X-Linked Classification Criteria (2023). Collection method: clinical testing. Allele origin: unknown.
Comment: NM_153717.2(EVC):c.2752A>T(K918*) is expected to be pathogenic in the context of EVC-related Ellis-van Creveld syndrome. This variant is predicted to lead to an abnormal or absent protein product due to the creation of a premature termination codon in EVC, a gene where loss-of-function variants are known to be pathogenic. Please note: this variant was assessed in the context of healthy population screening.

Natera, Inc.
Classification: Likely pathogenic for Ellis-van Creveld syndrome. Last evaluated: 2024-09-16. Review status: criteria provided, single submitter. Criteria: Natera Variant Classification Schema (03/2026). Collection method: clinical testing. Allele origin: germline.
Comment: The c.2752A>T variant in EVC is a nonsense variant predicted to introduce a stop codon at amino acid 918. This variant is expected to result in nonsense mediated decay, truncation, or a dysfunctional protein product. This variant is rare in the general population with a frequency below the threshold expected for the associated phenotype(s). Given the available evidence, this variant is classified as Likely Pathogenic.

NM_153717.3(EVC):c.2752A>T (p.Lys918Ter)

Gene: EVC (EvC ciliary complex subunit 1; plus strand). Cytogenetic location: 4p16.2.
Variant type: single nucleotide variant.
Coding change: c.2752A>T on transcript NM_153717.3 (MANE Select); coding-DNA position 2752, A replaced by T.
Protein change: p.Lys918Ter; replaces lysine 918 with a stop codon.
Molecular consequence: nonsense.
Genome position (GRCh38, 1-based): chr4:5,809,581, A>T. VCF-style: chr4-5809581-A-T. GRCh37 (hg19) VCF-style: chr4-5811308-A-T.
Other names: c.2752A>T, p.Lys918Ter (NM_001306090.2); short protein forms K918*.
Identifiers: ClinVar variation 4816936 (VCV004816936.2).